The following is an entry in ClinVar:

NM_001330691.3(CEP78):c.284G>A (p.Arg95His)

Gene: CEP78 (centrosomal protein 78; plus strand). Cytogenetic location: 9q21.2.
Variant type: single nucleotide variant.
Coding change: c.284G>A on transcript NM_001330691.3 (MANE Select); coding-DNA position 284, G replaced by A.
Protein change: p.Arg95His; replaces arginine 95 with histidine.
Molecular consequence: missense variant.
Genome position (GRCh38, 1-based): chr9:78,240,053, G>A. VCF-style: chr9-78240053-G-A. GRCh37 (hg19) VCF-style: chr9-80854969-G-A.
Other names: c.284G>A, p.Arg95His (NM_001098802.3, NM_001330693.3, NM_001330694.2 and 4 more transcripts); c.284G>A (NM_001098802.1); short protein forms R95H.
Identifiers: ClinVar variation 930139 (VCV000930139.9), dbSNP rs371010271, ClinGen allele CA5094871.

ClinVar aggregate classification (germline): Uncertain significance. Review status: criteria provided, multiple submitters, no conflicts (2 of 4 stars). 4 submissions from 4 submitters: Uncertain significance (4). Last evaluated 2025-04-03.

Conditions:
CEP78-related disorder. Also called: CEP78-related condition.

Allele frequency attached by ClinVar (database versions not stated): ExAC 0.00001; gnomAD exomes 0.00002; gnomAD 0.00003 and 0.00004; TOPMed 0.00006; ESP Exome Variant Server 0.00008.
gnomAD v4.1: 14 of 1,581,696 alleles (0.00089%); highest among the groups gnomAD compares: Admixed American, 0.01%; no homozygotes.

Submissions (4):

PreventionGenetics, part of Exact Sciences
Classification: Uncertain significance for CEP78-related condition. Last evaluated: 2025-04-03. Review status: criteria provided, single submitter. Criteria: ACMG Guidelines, 2015. Collection method: clinical testing. Allele origin: germline.
Comment: The CEP78 c.284G>A variant is predicted to result in the amino acid substitution p.Arg95His. To our knowledge, this variant has not been reported in the literature. This variant is reported in 0.0081% of alleles in individuals of Latino descent in gnomAD. At this time, the clinical significance of this variant is uncertain due to the absence of conclusive functional and genetic evidence.

Blueprint Genetics
Classification: Uncertain significance. Last evaluated: 2024-08-08. Review status: criteria provided, single submitter. Criteria: ACMG Guidelines, 2015. Collection method: clinical testing. Allele origin: germline.

Labcorp Genetics (formerly Invitae), Labcorp
Classification: Uncertain significance. Last evaluated: 2022-09-13. Review status: criteria provided, single submitter. Criteria: Invitae Variant Classification Sherloc (09022015). Collection method: clinical testing. Allele origin: germline.
Comment: This sequence change replaces arginine, which is basic and polar, with histidine, which is basic and polar, at codon 95 of the CEP78 protein (p.Arg95His). The frequency data for this variant in the population databases is considered unreliable, as metrics indicate poor data quality at this position in the gnomAD database. This variant has not been reported in the literature in individuals affected with CEP78-related conditions. ClinVar contains an entry for this variant (Variation ID: 930139). Advanced modeling of protein sequence and biophysical properties (such as structural, functional, and spatial information, amino acid conservation, physicochemical variation, residue mobility, and thermodynamic stability) performed at Invitae indicates that this missense variant is expected to disrupt CEP78 protein function. In summary, the available evidence is currently insufficient to determine the role of this variant in disease. Therefore, it has been classified as a Variant of Uncertain Significance.

Laboratory for Molecular Medicine, Mass General Brigham Personalized Medicine
Classification: Uncertain significance. Last evaluated: 2020-01-14. Review status: criteria provided, single submitter. Criteria: LMM Criteria. Collection method: clinical testing. Allele origin: germline. Observed: 1 variant allele.
Comment: The p.Arg95His variant in CEP78 has not been previously reported in individuals with hearing loss or cone-rod dystrophy but has been identified in 0.002% (6/247828) of the total chromosomes by gnomAD. Computational prediction tools and conservation analyses do not provide strong support for or against an impact to the protein. In summary, the clinical significance of this variant is uncertain. ACMG/AMP Criteria applied: PM2.